The following is an entry in ClinVar:

NC_000019.9:g.(?_13368144)_(13368385_?)del

Gene: CACNA1A (calcium voltage-gated channel subunit alpha1 A; minus strand). Cytogenetic location: 19p13.2.
Variant type: Deletion.
Identifiers: ClinVar variation 3248496 (VCV003248496.1).

ClinVar aggregate classification (germline): Pathogenic (1 of 4 stars; one submission).

Conditions:
Episodic ataxia type 2 (EA2). Also called: ATAXIA, EPISODIC, WITH NYSTAGMUS; ATAXIA, FAMILIAL PAROXYSMAL; CEREBELLAR ATAXIA, PAROXYSMAL, ACETAZOLAMIDE-RESPONSIVE; CEREBELLOPATHY, HEREDITARY PAROXYSMAL; EPISODIC ATAXIA, NYSTAGMUS-ASSOCIATED; ACETAZOLAMIDE-RESPONSIVE HEREDITARY PAROXYSMAL CEREBELLAR ATAXIA. Identifiers: Orphanet 97, MedGen C1720416, MONDO:0007163, OMIM 108500.
Developmental and epileptic encephalopathy, 42 (DEE42A). Also called: DEVELOPMENTAL AND EPILEPTIC ENCEPHALOPATHY 42A; EPILEPTIC ENCEPHALOPATHY, EARLY INFANTILE, 42A; Epileptic encephalopathy, early infantile, 42. Identifiers: MedGen C4310716, MONDO:0014917, OMIM 617106.

Submission:

Labcorp Genetics (formerly Invitae), Labcorp
Classification: Pathogenic for Developmental and epileptic encephalopathy, 42; Episodic ataxia type 2. Last evaluated: 2023-01-14. Review status: criteria provided, single submitter. Criteria: Invitae Variant Classification Sherloc (09022015). Collection method: clinical testing. Allele origin: unknown.
Comment: This variant is a gross deletion of the genomic region encompassing exon(s) 28 of the CACNA1A gene. This deletion is out-of-frame, and is expected to create a premature termination codon and result in an absent or disrupted protein product. Loss-of-function variants in CACNA1A are known to be pathogenic (PMID: 10371528, 19486177, 25735478, 27250579). This variant has not been reported in the literature in individuals affected with CACNA1A-related conditions. For these reasons, this variant has been classified as Pathogenic.

Literature cited by the submitters: PubMed 10371528; PubMed 19486177; PubMed 25735478; PubMed 27250579.